The following is an entry in ClinVar:

ClinVar aggregate classification (germline): Conflicting classifications of pathogenicity. Review status: criteria provided, conflicting classifications (1 of 4 stars). 8 submissions from 8 submitters: Uncertain significance (4); Likely benign (3). 1 of the submissions does not count toward it. Last evaluated 2026-06-01.

Conditions:
RNF43-related disorder. Also called: RNF43-related condition.
Sessile serrated polyposis cancer syndrome (SSPCS). Identifiers: Orphanet 157798, MedGen C4310714, MONDO:0014919, OMIM 617108.

Allele frequency attached by ClinVar (database versions not stated): ESP Exome Variant Server 0.00023; TOPMed 0.00045; gnomAD 0.00049 and 0.00050; gnomAD exomes 0.00054 and 0.00106; ExAC 0.00066.
gnomAD v4.1: 1,581 of 1,611,550 alleles (0.098%); highest among the groups gnomAD compares: Non-Finnish European, 0.13%; 3 homozygotes.

Submissions (8):

CeGaT Center for Human Genetics Tuebingen
Classification: Likely benign. Last evaluated: 2026-06-01. Review status: criteria provided, single submitter. Criteria: CeGaT Center For Human Genetics Tuebingen Variant Classification Criteria Version 2. Collection method: clinical testing. Allele origin: germline. Affected: yes. Observed: 5 variant alleles.
Comment: RNF43: BS1

Labcorp Genetics (formerly Invitae), Labcorp
Classification: Likely benign. Last evaluated: 2026-01-11. Review status: criteria provided, single submitter. Criteria: Invitae Variant Classification Sherloc (09022015). Collection method: clinical testing. Allele origin: germline.

Center for Genomic Medicine, Rigshospitalet, Copenhagen University Hospital
Classification: Uncertain significance. Last evaluated: 2025-12-29. Review status: criteria provided, single submitter. Criteria: ACMG Guidelines, 2015. Collection method: clinical testing. Allele origin: germline.

GeneDx
Classification: Uncertain significance. Last evaluated: 2025-04-04. Review status: criteria provided, single submitter. Criteria: GeneDx Variant Classification Process June 2021. Collection method: clinical testing. Allele origin: germline.
Comment: In silico analysis indicates that this missense variant does not alter protein structure/function; Observed in an individual with squamous cell carcinoma of the head and neck (PMID: 33203166); This variant is associated with the following publications: (PMID: 33203166, 35885997)

Department of Pathology and Laboratory Medicine, Sinai Health System
Classification: Uncertain significance for Sessile serrated polyposis cancer syndrome. Last evaluated: 2025-01-28. Review status: criteria provided, single submitter. Criteria: ACMG Guidelines, 2015. Collection method: clinical testing. Allele origin: germline.

Ambry Genetics
Classification: Uncertain significance. Last evaluated: 2024-10-15. Review status: criteria provided, single submitter. Criteria: Ambry Variant Classification Scheme 2023. Collection method: clinical testing. Allele origin: germline.
Comment: The p.V107I variant (also known as c.319G>A), located in coding exon 2 of the RNF43 gene, results from a G to A substitution at nucleotide position 319. The valine at codon 107 is replaced by isoleucine, an amino acid with highly similar properties. This amino acid position is conserved. In addition, this alteration is predicted to be tolerated by in silico analysis. Based on the available evidence, the clinical significance of this variant remains unclear.

Fulgent Genetics
Classification: Likely benign for Sessile serrated polyposis cancer syndrome. Last evaluated: 2021-11-24. Review status: criteria provided, single submitter. Criteria: ACMG Guidelines, 2015. Collection method: clinical testing. Allele origin: unknown.

PreventionGenetics, part of Exact Sciences
Classification: Likely benign for RNF43-related condition. Last evaluated: 2023-03-23. Review status: no assertion criteria provided. Collection method: clinical testing. Allele origin: germline. Not counted in ClinVar's aggregate classification.
Comment: This variant is classified as likely benign based on ACMG/AMP sequence variant interpretation guidelines (Richards et al. 2015 PMID: 25741868, with internal and published modifications).

NM_017763.6(RNF43):c.319G>A (p.Val107Ile)

Gene: RNF43 (ring finger protein 43; minus strand). Cytogenetic location: 17q22.
Variant type: single nucleotide variant.
Coding change: c.319G>A on transcript NM_017763.6 (MANE Select); coding-DNA position 319, G replaced by A.
Protein change: p.Val107Ile; replaces valine 107 with isoleucine.
Molecular consequence: missense variant.
Genome position (GRCh38, 1-based): chr17:58,370,967, C>T on the plus strand (G>A on the coding strand, the complement: RNF43 is on the minus strand). VCF-style: chr17-58370967-C-T. GRCh37 (hg19) VCF-style: chr17-56448328-C-T.
Other names: c.319G>A, p.Val107Ile (NM_001305544.3); c.-63G>A (NM_001305545.2); c.319G>A (NM_017763.4); short protein forms V107I.
Identifiers: ClinVar variation 1089418 (VCV001089418.47), dbSNP rs199909371, ClinGen allele CA8673468.